The following is an entry in ClinVar:

ClinVar aggregate classification (germline): Uncertain significance (1 of 4 stars; one submission).

gnomAD v4.1: 1 of 1,614,134 alleles (0.000062%); highest among the groups gnomAD compares: Admixed American, 0.0017%; no homozygotes.

Submission:

Labcorp Genetics (formerly Invitae), Labcorp
Classification: Uncertain significance. Last evaluated: 2022-02-26. Review status: criteria provided, single submitter. Criteria: Invitae Variant Classification Sherloc (09022015). Collection method: clinical testing. Allele origin: germline.
Comment: This sequence change replaces alanine, which is neutral and non-polar, with aspartic acid, which is acidic and polar, at codon 231 of the HSD3B2 protein (p.Ala231Asp). This variant is present in population databases (no rsID available, gnomAD 0.003%). This variant has not been reported in the literature in individuals affected with HSD3B2-related conditions. Algorithms developed to predict the effect of missense changes on protein structure and function are either unavailable or do not agree on the potential impact of this missense change (SIFT: "Deleterious"; PolyPhen-2: "Probably Damaging"; Align-GVGD: "Class C0"). In summary, the available evidence is currently insufficient to determine the role of this variant in disease. Therefore, it has been classified as a Variant of Uncertain Significance.

NM_000198.4(HSD3B2):c.692C>A (p.Ala231Asp)

Gene: HSD3B2 (hydroxy-delta-5-steroid dehydrogenase, 3 beta- and steroid delta-isomerase 2; plus strand). Cytogenetic location: 1p12.
Variant type: single nucleotide variant.
Coding change: c.692C>A on transcript NM_000198.4 (MANE Select); coding-DNA position 692, C replaced by A.
Protein change: p.Ala231Asp; replaces alanine 231 with aspartic acid.
Molecular consequence: missense variant.
Genome position (GRCh38, 1-based): chr1:119,422,193, C>A. VCF-style: chr1-119422193-C-A. GRCh37 (hg19) VCF-style: chr1-119964816-C-A.
Other names: c.692C>A, p.Ala231Asp (NM_001166120.2); short protein forms A231D.
Identifiers: ClinVar variation 1954651 (VCV001954651.2), dbSNP rs1391145898, ClinGen allele CA341397973.